The following is an entry in ClinVar:

NM_004187.5(KDM5C):c.2231G>A (p.Arg744Gln)

Gene: KDM5C (lysine demethylase 5C; minus strand). Cytogenetic location: Xp11.22.
Variant type: single nucleotide variant.
Coding change: c.2231G>A on transcript NM_004187.5 (MANE Select); coding-DNA position 2231, G replaced by A.
Protein change: p.Arg744Gln; replaces arginine 744 with glutamine.
Molecular consequence: missense variant. On other transcripts: non-coding transcript variant (3).
Genome position (GRCh38, 1-based): chrX:53,198,989, C>T on the plus strand (G>A on the coding strand, the complement: KDM5C is on the minus strand). VCF-style: chrX-53198989-C-T. GRCh37 (hg19) VCF-style: chrX-53228171-C-T.
Other names: c.2030G>A, p.Arg677Gln (NM_001146702.2); c.2228G>A, p.Arg743Gln (NM_001282622.3, NM_001353979.2, NM_001353982.2); c.2231G>A, p.Arg744Gln (NM_001353978.3, NM_001353981.2, NM_001353984.2); short protein forms R743Q, R744Q, R677Q.
Identifiers: ClinVar variation 2186454 (VCV002186454.4), dbSNP rs782016330, ClinGen allele CA10419433.

ClinVar aggregate classification (germline): Uncertain significance (1 of 4 stars; one submission).

Conditions:
Spastic paraplegia. Identifiers: MedGen C0037772, HP:0001258.

Allele frequency attached by ClinVar (database versions not stated): gnomAD exomes below 0.00001; TOPMed below 0.00001; ExAC 0.00001; gnomAD 0.00001.
gnomAD v4.1: 3 of 1,210,470 alleles (0.00025%); highest among the groups gnomAD compares: Non-Finnish European, 0.00022%; no homozygotes.

Submission:

Labcorp Genetics (formerly Invitae), Labcorp
Classification: Uncertain significance for Spastic paraplegia. Last evaluated: 2025-01-06. Review status: criteria provided, single submitter. Criteria: Invitae Variant Classification Sherloc (09022015). Collection method: clinical testing. Allele origin: germline.
Comment: This sequence change replaces arginine, which is basic and polar, with glutamine, which is neutral and polar, at codon 744 of the KDM5C protein (p.Arg744Gln). This variant is present in population databases (rs782016330, gnomAD 0.006%). This variant has not been reported in the literature in individuals affected with KDM5C-related conditions. ClinVar contains an entry for this variant (Variation ID: 2186454). Invitae Evidence Modeling of protein sequence and biophysical properties (such as structural, functional, and spatial information, amino acid conservation, physicochemical variation, residue mobility, and thermodynamic stability) indicates that this missense variant is not expected to disrupt KDM5C protein function with a negative predictive value of 95%. In summary, the available evidence is currently insufficient to determine the role of this variant in disease. Therefore, it has been classified as a Variant of Uncertain Significance.